The following is an entry in ClinVar:

ClinVar aggregate classification (germline): Likely pathogenic (1 of 4 stars; one submission).

Conditions:
Megaconial type congenital muscular dystrophy (MDCMC). Also called: CHKB-Related Muscle Diseases; CHKB-Related Muscular Dystrophy; MUSCULAR DYSTROPHY, CONGENITAL, WITH MITOCHONDRIAL STRUCTURAL ABNORMALITIES. Identifiers: Orphanet 280671, MedGen C1865233, MONDO:0011246, OMIM 602541.

Submission:

Neuberg Centre For Genomic Medicine, NCGM
Classification: Likely pathogenic for Megaconial type congenital muscular dystrophy. Review status: criteria provided, single submitter. Criteria: ACMG Guidelines, 2015. Collection method: clinical testing. Allele origin: germline. Affected: yes.
Comment: The variant c.150C>A in CHKB (NM_005198.4) has not been reported previously as a pathogenic variant nor as a benign variant, to our knowledge. The variant is novel (not in any individuals) in gnomAD Exomes and 1000 Genomes. Null variant (nonsense), in gene CHKB for which loss-of-function is a known mechanism of disease. The nucleotide change in CHKB is predicted as conserved by GERP++ and PhyloP across 100 vertebrates. For these reasons, this variant has been classified as Likely Pathogenic.

NM_005198.5(CHKB):c.150C>A (p.Tyr50Ter)

Genes: CHKB (choline kinase beta; minus strand), CHKB-CPT1B (CHKB-CPT1B readthrough (NMD candidate); minus strand). Cytogenetic location: 22q13.33.
Variant type: single nucleotide variant.
Coding change: c.150C>A on transcript NM_005198.5 (MANE Select); coding-DNA position 150, C replaced by A.
Protein change: p.Tyr50Ter; replaces tyrosine 50 with a stop codon.
Molecular consequence: nonsense. On other transcripts: non-coding transcript variant (1).
Genome position (GRCh38, 1-based): chr22:50,582,632, G>T on the plus strand (C>A on the coding strand, the complement: CHKB is on the minus strand). VCF-style: chr22-50582632-G-T. GRCh37 (hg19) VCF-style: chr22-51021061-G-T.
Other names: short protein forms Y50*.
Identifiers: ClinVar variation 1878551 (VCV001878551.1), dbSNP rs1252318649, ClinGen allele CA412203358.